The following is an entry in ClinVar:

ClinVar aggregate classification (germline): Pathogenic (1 of 4 stars; one submission).

Conditions:
Hereditary hemochromatosis (HFE). Identifiers: MedGen C0392514, MONDO:0006507. Disease mechanism: loss of function.

Submission:

Labcorp Genetics (formerly Invitae), Labcorp
Classification: Pathogenic for Hereditary hemochromatosis. Last evaluated: 2023-10-25. Review status: criteria provided, single submitter. Criteria: Invitae Variant Classification Sherloc (09022015). Collection method: clinical testing. Allele origin: germline.
Comment: This sequence change creates a premature translational stop signal (p.Leu85Trpfs*3) in the TFR2 gene. It is expected to result in an absent or disrupted protein product. Loss-of-function variants in TFR2 are known to be pathogenic (PMID: 23600741, 26029709). This variant is present in population databases (no rsID available, gnomAD 0.006%). This variant has not been reported in the literature in individuals affected with TFR2-related conditions. ClinVar contains an entry for this variant (Variation ID: 461198). For these reasons, this variant has been classified as Pathogenic.

Literature cited by the submitters: PubMed 23600741; PubMed 26029709.

NM_003227.4(TFR2):c.253del (p.Leu85fs)

Gene: TFR2 (transferrin receptor 2; minus strand). Cytogenetic location: 7q22.1.
Variant type: Deletion.
Coding change: c.253del on transcript NM_003227.4 (MANE Select); coding-DNA position 253, one base deleted (C; older notation c.253delC).
Protein change: p.Leu85fs; shifts the reading frame from leucine 85.
Molecular consequence: frameshift variant.
Genome position (GRCh38, 1-based): chr7:100,641,009, G deleted on the plus strand (C on the coding strand, the reverse complement: TFR2 is on the minus strand); the first of 2 consecutive G bases (chr7:100,641,009-100,641,010); deleting either gives the same sequence. VCF-style (leftmost placement, unchanged base first): chr7-100641008-AG-A. GRCh37 (hg19) VCF-style: chr7-100238631-AG-A.
Other names: short protein forms L85fs.
Identifiers: ClinVar variation 461198 (VCV000461198.7), dbSNP rs1426704853, ClinGen allele CA576714077.